The following is an entry in ClinVar:

Conditions:
Breast-ovarian cancer, familial, susceptibility to, 1 (BROVCA1). Also called: BRCA1 Hereditary Breast and Ovarian Cancer; OVARIAN CANCER, SUSCEPTIBILITY TO. Identifiers: Orphanet 145, MedGen C2676676, MONDO:0011450, OMIM 604370. Disease mechanism: loss of function.

Submission:

Brotman Baty Institute, University of Washington
No classification provided (evidence only). Condition: Breast-ovarian cancer, familial 1. Review status: no classification provided. Collection method: in vitro. Allele origin: not applicable. Functional consequence: functionally_normal.
ClinVar note: "not provided" was previously submitted as the classification for the variant. However, the classification appeared to be based only on an observation of functional data so it was converted to no classification on 2025-07-30.

NM_007294.4(BRCA1):c.5016C>G (p.His1672Gln)

Gene: BRCA1 (BRCA1 DNA repair associated; minus strand). Cytogenetic location: 17q21.31.
Variant type: single nucleotide variant.
Coding change: c.5016C>G on transcript NM_007294.4 (MANE Select); coding-DNA position 5016, C replaced by G.
Protein change: p.His1672Gln; replaces histidine 1672 with glutamine.
Molecular consequence: missense variant. On other transcripts: non-coding transcript variant (1).
Genome position (GRCh38, 1-based): chr17:43,067,666, G>C on the plus strand (C>G on the coding strand, the complement: BRCA1 is on the minus strand). VCF-style: chr17-43067666-G-C. GRCh37 (hg19) VCF-style: chr17-41219683-G-C.
Other names: c.4803C>G, p.His1601Gln (NM_001407571.1, NM_001407894.1, NM_001407895.1 and 12 more transcripts); c.5082C>G, p.His1694Gln (NM_001407581.1, NM_001407582.1); c.5079C>G, p.His1693Gln (NM_001407583.1, NM_001407585.1, NM_001407587.1 and 1 more transcripts); c.5076C>G, p.His1692Gln (NM_001407590.1, NM_001407591.1); c.5016C>G, p.His1672Gln (NM_001407593.1, NM_001407594.1, NM_001407596.1 and 8 more transcripts); c.5013C>G, p.His1671Gln (NM_001407610.1, NM_001407611.1, NM_001407612.1 and 17 more transcripts); c.5010C>G, p.His1670Gln (NM_001407627.1, NM_001407628.1, NM_001407629.1 and 14 more transcripts); c.5007C>G, p.His1669Gln (NM_001407644.1, NM_001407645.1); and 70 more; short protein forms H1672Q, H568Q, H1625Q, H1693Q, H1375Q, H1543Q, H1545Q, H1561Q.
Identifiers: ClinVar variation 868929 (VCV000868929.3), dbSNP rs2052180111, ClinGen allele CA10591484.